The following is an entry in ClinVar:

NM_000089.4(COL1A2):c.2098G>T (p.Gly700Cys)

Gene: COL1A2 (collagen type I alpha 2 chain; plus strand). Cytogenetic location: 7q21.3.
Variant type: single nucleotide variant.
Coding change: c.2098G>T on transcript NM_000089.4 (MANE Select); coding-DNA position 2098, G replaced by T.
Protein change: p.Gly700Cys; replaces glycine 700 with cysteine.
Molecular consequence: missense variant.
Genome position (GRCh38, 1-based): chr7:94,420,251, G>T. VCF-style: chr7-94420251-G-T. GRCh37 (hg19) VCF-style: chr7-94049563-G-T.
Other names: short protein forms G700C.
Identifiers: ClinVar variation 641929 (VCV000641929.10), dbSNP rs72658160, ClinGen allele CA162935392.

ClinVar aggregate classification (germline): Pathogenic. Review status: criteria provided, multiple submitters, no conflicts (2 of 4 stars). 3 submissions from 3 submitters: Pathogenic (3). Last evaluated 2025-04-28.

Conditions:
Osteogenesis imperfecta type I (OI1). Also called: Osteogenesis imperfecta type 1; Lobstein's Disease; OI, TYPE I; OSTEOGENESIS IMPERFECTA TARDA; OSTEOGENESIS IMPERFECTA WITH BLUE SCLERAE; Classic Non-deforming Osteogenesis Imperfecta with Blue Sclerae. Identifiers: Orphanet 216796, Orphanet 666, MedGen C0023931, MONDO:0008146, OMIM 166200. Disease mechanism: loss of function.
Ehlers-Danlos syndrome, classic type, 1 (EDSCL1). Also called: EHLERS-DANLOS SYNDROME, GRAVIS TYPE; EDS I; Ehlers-Danlos syndrome, type 1; EHLERS-DANLOS SYNDROME, SEVERE CLASSIC TYPE; Ehlers-Danlos Syndrome, Classic Type, COL5A1-Related. Identifiers: MedGen C0268335, MONDO:0019567, OMIM 130000.
Osteogenesis imperfecta with normal sclerae, dominant form (OI4). Also called: OSTEOGENESIS IMPERFECTA, TYPE IV, WITH DENTINOGENESIS IMPERFECTA; Osteogenesis imperfecta type 4; Osteogenesis Imperfecta Type IV; OSTEOGENESIS IMPERFECTA WITH NORMAL SCLERAE; Common Variable Osteogenesis Imperfecta with Normal Sclerae. Identifiers: Orphanet 216820, Orphanet 666, MedGen C0268363, MONDO:0008148, OMIM 166220.

Allele frequency attached by ClinVar (database versions not stated): gnomAD exomes below 0.00001; gnomAD 0.00001; TOPMed 0.00001.
gnomAD v4.1: 3 of 1,613,480 alleles (0.00019%); highest among the groups gnomAD compares: Non-Finnish European, 0.000085%; no homozygotes.

Submissions (3):

Labcorp Genetics (formerly Invitae), Labcorp
Classification: Pathogenic for Osteogenesis imperfecta type I; Ehlers-Danlos syndrome, classic type, 1. Last evaluated: 2025-04-28. Review status: criteria provided, single submitter. Criteria: Invitae Variant Classification Sherloc (09022015). Collection method: clinical testing. Allele origin: germline.
Comment: This sequence change replaces glycine, which is neutral and non-polar, with cysteine, which is neutral and slightly polar, at codon 700 of the COL1A2 protein (p.Gly700Cys). This variant is not present in population databases (gnomAD no frequency). This missense change has been observed in individuals with osteogenesis imperfecta (PMID: 19594296). It has also been observed to segregate with disease in related individuals. This variant is also known as p.Gly610Cys. ClinVar contains an entry for this variant (Variation ID: 641929). Invitae Evidence Modeling of protein sequence and biophysical properties (such as structural, functional, and spatial information, amino acid conservation, physicochemical variation, residue mobility, and thermodynamic stability) indicates that this missense variant is expected to disrupt COL1A2 protein function with a positive predictive value of 95%. Experimental studies have shown that this missense change affects COL1A2 function (PMID: 19594296). This variant disrupts the triple helix domain of COL1A2. Glycine residues within the Gly-Xaa-Yaa repeats of the triple helix domain are required for the structure and stability of fibrillar collagens (PMID: 7695699, 8218237, 19344236). In COL1A2, variants affecting these glycine residues are significantly enriched in individuals with disease (PMID: 9016532, 17078022) compared to the general population (ExAC). For these reasons, this variant has been classified as Pathogenic.

Medical Genetics Center, Maternal and Child Health Hospital of Hubei Province
Classification: Pathogenic for Osteogenesis imperfecta with normal sclerae, dominant form. Last evaluated: 2024-12-23. Review status: criteria provided, single submitter. Criteria: ACMG Guidelines, 2015. Collection method: clinical testing. Allele origin: maternal. Affected: yes.
Comment: PS3+PM1+PP3_Moderate+PP1+PS4_Supporting+PM2_Supporting

GeneDx
Classification: Pathogenic. Last evaluated: 2022-10-24. Review status: criteria provided, single submitter. Criteria: GeneDx Variant Classification Process June 2021. Collection method: clinical testing. Allele origin: germline. Affected: yes.
Comment: Occurs in the triple helical domain and replaces a glycine in a canonical Gly-X-Y repeat; missense substitution of a canonical glycine residue is expected to disrupt normal protein folding and function, and this is an established mechanism of disease (Jovanovic et al., 2021); Not observed at significant frequency in large population cohorts (gnomAD); In silico analysis supports that this missense variant has a deleterious effect on protein structure/function; This variant is associated with the following publications: (PMID: 34007986, 35225118, 25829218, 31485550, 19594296, 30579604)

Literature cited by the submitters: PubMed 19594296 (cited by Labcorp Genetics (formerly Invitae), Labcorp and Medical Genetics Center, Maternal and Child Health Hospital of Hubei Province); PubMed 7695699 (cited by Labcorp Genetics (formerly Invitae), Labcorp); PubMed 8218237 (cited by Labcorp Genetics (formerly Invitae), Labcorp); PubMed 19344236 (cited by Labcorp Genetics (formerly Invitae), Labcorp); PubMed 9016532 (cited by Labcorp Genetics (formerly Invitae), Labcorp); PubMed 17078022 (cited by Labcorp Genetics (formerly Invitae), Labcorp); PubMed 30579604 (cited by Medical Genetics Center, Maternal and Child Health Hospital of Hubei Province); PubMed 37977416 (cited by Medical Genetics Center, Maternal and Child Health Hospital of Hubei Province).